The following is an entry in ClinVar:

ClinVar aggregate classification (germline): Likely benign. Review status: criteria provided, multiple submitters, no conflicts (2 of 4 stars). 3 submissions from 3 submitters: Likely benign (3). Last evaluated 2026-01-28.

Conditions:
Finnish type amyloidosis. Also called: Amyloidosis, familial, Finnish type; Meretoja type amyloidosis; Amyloidosis 5; AMYLOID CRANIAL NEUROPATHY WITH LATTICE CORNEAL DYSTROPHY; AMYLOIDOSIS DUE TO MUTANT GELSOLIN; AMYLOIDOSIS, HEREDITARY SYSTEMIC 4, FINNISH TYPE. Identifiers: Orphanet 85448, MedGen C1622345, MONDO:0007097, OMIM 105120.
GSN-related disorder. Also called: GSN-related condition.

Allele frequency attached by ClinVar (database versions not stated): gnomAD exomes 0.00003 and 0.00004; ExAC 0.00004; gnomAD 0.00009; TOPMed 0.00011; 1000 Genomes Project 30x 0.00016; 1000 Genomes Project 0.00020.
gnomAD v4.1: 62 of 1,613,990 alleles (0.0038%); highest among the groups gnomAD compares: African/African-American, 0.028%; no homozygotes.

Submissions (3):

Labcorp Genetics (formerly Invitae), Labcorp
Classification: Likely benign. Last evaluated: 2026-01-28. Review status: criteria provided, single submitter. Criteria: Invitae Variant Classification Sherloc (09022015). Collection method: clinical testing. Allele origin: germline.

PreventionGenetics, part of Exact Sciences
Classification: Likely benign for GSN-related condition. Last evaluated: 2025-08-26. Review status: criteria provided, single submitter. Criteria: ACMG Guidelines, 2015. Collection method: clinical testing. Allele origin: germline.
Comment: This variant is classified as likely benign based on ACMG/AMP sequence variant interpretation guidelines (Richards et al. 2015 PMID: 25741868, with internal and published modifications).

Fulgent Genetics
Classification: Likely benign for Finnish type amyloidosis. Last evaluated: 2022-03-22. Review status: criteria provided, single submitter. Criteria: ACMG Guidelines, 2015. Collection method: clinical testing. Allele origin: unknown.

NM_198252.3(GSN):c.276C>T (p.Ala92=)

Gene: GSN (gelsolin; plus strand). Cytogenetic location: 9q33.2.
Variant type: single nucleotide variant.
Coding change: c.276C>T on transcript NM_198252.3 (MANE Select); coding-DNA position 276, C replaced by T.
Protein change: p.Ala92=; no amino-acid change (alanine 92 retained).
Molecular consequence: synonymous variant. On other transcripts: 5 prime UTR variant (1).
Genome position (GRCh38, 1-based): chr9:121,302,990, C>T. VCF-style: chr9-121302990-C-T. GRCh37 (hg19) VCF-style: chr9-124065268-C-T.
Other names: c.429C>T, p.Ala143= (NM_000177.5); c.276C>T, p.Ala92= (NM_001127662.2, NM_001127664.2, NM_001127665.2 and 10 more transcripts); c.384C>T, p.Ala128= (NM_001127663.2); c.309C>T, p.Ala103= (NM_001127666.2, NM_001127667.2, NM_001353063.2 and 13 more transcripts); c.327C>T, p.Ala109= (NM_001258029.2); c.300C>T, p.Ala100= (NM_001258030.2); c.348C>T, p.Ala116= (NM_001353076.2); c.-379C>T (NM_001353078.2).
Identifiers: ClinVar variation 738729 (VCV000738729.10), dbSNP rs548138013, ClinGen allele CA5220827.